The following is an entry in ClinVar:

ClinVar aggregate classification (germline): Pathogenic (1 of 4 stars; one submission).

Submission:

Labcorp Genetics (formerly Invitae), Labcorp
Classification: Pathogenic. Last evaluated: 2023-04-20. Review status: criteria provided, single submitter. Criteria: Invitae Variant Classification Sherloc (09022015). Collection method: clinical testing. Allele origin: unknown.
Comment: For these reasons, this variant has been classified as Pathogenic. This variant has not been reported in the literature in individuals affected with FKBP10-related conditions. This variant is a gross deletion of the genomic region encompassing exon(s) 2 of the FKBP10 gene. This deletion is out-of-frame, and is expected to create a premature termination codon and result in an absent or disrupted protein product. Loss-of-function variants in FKBP10 are known to be pathogenic (PMID: 22689593, 22949511).

Literature cited by the submitters: PubMed 22689593; PubMed 22949511.

NC_000017.10:g.(?_39973290)_(39973475_?)del

Gene: FKBP10 (FKBP prolyl isomerase 10; plus strand). Cytogenetic location: 17q21.2.
Variant type: Deletion.
Identifiers: ClinVar variation 3243201 (VCV003243201.1).